The following is an entry in ClinVar:

NM_001113378.2(FANCI):c.2845G>A (p.Val949Ile)

Gene: FANCI (FA complementation group I; plus strand). Cytogenetic location: 15q26.1.
Variant type: single nucleotide variant.
Coding change: c.2845G>A on transcript NM_001113378.2 (MANE Select); coding-DNA position 2845, G replaced by A.
Protein change: p.Val949Ile; replaces valine 949 with isoleucine.
Molecular consequence: missense variant.
Genome position (GRCh38, 1-based): chr15:89,300,341, G>A. VCF-style: chr15-89300341-G-A. GRCh37 (hg19) VCF-style: chr15-89843572-G-A.
Other names: c.2566G>A, p.Val856Ile (NM_001376910.1); c.2845G>A, p.Val949Ile (NM_001376911.1); c.2665G>A, p.Val889Ile (NM_018193.3); short protein forms V889I, V949I, V856I.
Identifiers: ClinVar variation 651294 (VCV000651294.7), dbSNP rs767462150, ClinGen allele CA7723485.

ClinVar aggregate classification (germline): Uncertain significance. Review status: criteria provided, multiple submitters, no conflicts (2 of 4 stars). 2 submissions from 2 submitters: Uncertain significance (2). Last evaluated 2022-05-23.

Conditions:
Fanconi anemia (FA). Also called: Fanconi's anemia. Identifiers: Orphanet 84, MedGen C0015625, MeSH D005199, MONDO:0019391.
Fanconi anemia complementation group I (FANCI). Also called: FANCI-Related Fanconi Anemia. Identifiers: Orphanet 84, MedGen C1836861, MONDO:0012186, OMIM 609053.

Allele frequency attached by ClinVar (database versions not stated): TOPMed below 0.00001; gnomAD 0.00001.
gnomAD v4.1: 8 of 1,613,916 alleles (0.0005%); highest among the groups gnomAD compares: Admixed American, 0.0017%; no homozygotes.

Submissions (2):

Fulgent Genetics
Classification: Uncertain significance for Fanconi anemia complementation group I. Last evaluated: 2022-05-23. Review status: criteria provided, single submitter. Criteria: ACMG Guidelines, 2015. Collection method: clinical testing. Allele origin: unknown.

Labcorp Genetics (formerly Invitae), Labcorp
Classification: Uncertain significance for Fanconi anemia. Last evaluated: 2021-08-31. Review status: criteria provided, single submitter. Criteria: Invitae Variant Classification Sherloc (09022015). Collection method: clinical testing. Allele origin: germline.
Comment: This sequence change replaces valine with isoleucine at codon 949 of the FANCI protein (p.Val949Ile). The valine residue is weakly conserved and there is a small physicochemical difference between valine and isoleucine. This variant is present in population databases (rs767462150, ExAC 0.002%). This variant has not been reported in the literature in individuals affected with FANCI-related conditions. Algorithms developed to predict the effect of missense changes on protein structure and function output the following: SIFT: "Tolerated"; PolyPhen-2: "Benign"; Align-GVGD: "Class C0". The isoleucine amino acid residue is found in multiple mammalian species, which suggests that this missense change does not adversely affect protein function. In summary, the available evidence is currently insufficient to determine the role of this variant in disease. Therefore, it has been classified as a Variant of Uncertain Significance.